The following is an entry in ClinVar:

ClinVar aggregate classification (germline): Conflicting classifications of pathogenicity. Review status: criteria provided, conflicting classifications (1 of 4 stars). 3 submissions from 3 submitters: Uncertain significance (1); Likely benign (2). Last evaluated 2026-08-01.

Conditions:
Kabuki syndrome. Also called: NIIKAWA-KUROKI SYNDROME; Kabuki make-up syndrome. Identifiers: Orphanet 2322, MedGen C0796004, MONDO:0016512.

Allele frequency attached by ClinVar (database versions not stated): gnomAD 0.00013 and 0.00014; gnomAD exomes 0.00006 and 0.00008; ExAC 0.00007; ESP Exome Variant Server 0.00008; TOPMed 0.00012.
gnomAD v4.1: 107 of 1,612,292 alleles (0.0066%); highest among the groups gnomAD compares: African/African-American, 0.032%; no homozygotes.

Submissions (3):

CeGaT Center for Human Genetics Tuebingen
Classification: Likely benign. Last evaluated: 2026-08-01. Review status: criteria provided, single submitter. Criteria: CeGaT Center For Human Genetics Tuebingen Variant Classification Criteria Version 2. Collection method: clinical testing. Allele origin: germline. Affected: yes. Observed: 1 variant allele.
Comment: KMT2D: BP4, BP7

Labcorp Genetics (formerly Invitae), Labcorp
Classification: Likely benign for Kabuki syndrome. Last evaluated: 2026-01-21. Review status: criteria provided, single submitter. Criteria: Invitae Variant Classification Sherloc (09022015). Collection method: clinical testing. Allele origin: germline.

Eurofins Ntd Llc (ga)
Classification: Uncertain significance. Last evaluated: 2013-05-10. Review status: criteria provided, single submitter. Criteria: EGL Classification Definitions 2015. Collection method: clinical testing. Allele origin: germline. Observed: 1 variant allele, 1 heterozygote.

NM_003482.4(KMT2D):c.4056G>A (p.Glu1352=)

Gene: KMT2D (lysine methyltransferase 2D; minus strand). Cytogenetic location: 12q13.12.
Variant type: single nucleotide variant.
Coding change: c.4056G>A on transcript NM_003482.4 (MANE Select); coding-DNA position 4056, G replaced by A.
Protein change: p.Glu1352=; no amino-acid change (glutamic acid 1352 retained).
Molecular consequence: synonymous variant.
Genome position (GRCh38, 1-based): chr12:49,048,734, C>T on the plus strand (G>A on the coding strand, the complement: KMT2D is on the minus strand). VCF-style: chr12-49048734-C-T. GRCh37 (hg19) VCF-style: chr12-49442517-C-T.
Identifiers: ClinVar variation 94215 (VCV000094215.13), dbSNP rs373063485, ClinGen allele CA222073.